The following is an entry in ClinVar:

NM_001846.4(COL4A2):c.4921G>A (p.Val1641Met)

Gene: COL4A2 (collagen type IV alpha 2 chain; plus strand). Cytogenetic location: 13q34.
Variant type: single nucleotide variant.
Coding change: c.4921G>A on transcript NM_001846.4 (MANE Select); coding-DNA position 4921, G replaced by A.
Protein change: p.Val1641Met; replaces valine 1641 with methionine.
Molecular consequence: missense variant.
Genome position (GRCh38, 1-based): chr13:110,511,973, G>A. VCF-style: chr13-110511973-G-A. GRCh37 (hg19) VCF-style: chr13-111164320-G-A.
Other names: short protein forms V1641M.
Identifiers: ClinVar variation 2199817 (VCV002199817.4), dbSNP rs1376093675, ClinGen allele CA388743902.

ClinVar aggregate classification (germline): Uncertain significance (1 of 4 stars; one submission).

Allele frequency attached by ClinVar (database versions not stated): gnomAD exomes below 0.00001; TOPMed below 0.00001.
gnomAD v4.1: 2 of 1,613,574 alleles (0.00012%); highest among the groups gnomAD compares: Admixed American, 0.0017%; no homozygotes.

Submission:

Labcorp Genetics (formerly Invitae), Labcorp
Classification: Uncertain significance. Last evaluated: 2026-01-19. Review status: criteria provided, single submitter. Criteria: Invitae Variant Classification Sherloc (09022015). Collection method: clinical testing. Allele origin: germline.
Comment: This sequence change replaces valine, which is neutral and non-polar, with methionine, which is neutral and non-polar, at codon 1641 of the COL4A2 protein (p.Val1641Met). This variant is present in population databases (no rsID available, gnomAD 0.003%). This variant has not been reported in the literature in individuals affected with COL4A2-related conditions. ClinVar contains an entry for this variant (Variation ID: 2199817). Invitae Evidence Modeling of protein sequence and biophysical properties (such as structural, functional, and spatial information, amino acid conservation, physicochemical variation, residue mobility, and thermodynamic stability) indicates that this missense variant is not expected to disrupt COL4A2 protein function with a negative predictive value of 95%. In summary, the available evidence is currently insufficient to determine the role of this variant in disease. Therefore, it has been classified as a Variant of Uncertain Significance.